The following is an entry in ClinVar:

ClinVar aggregate classification (germline): Likely benign. Review status: criteria provided, single submitter (1 of 4 stars). 2 submissions from 2 submitters: Likely benign (1). 1 of the submissions does not count toward it. Last evaluated 2024-11-18.

Conditions:
EPS8L2-related disorder. Also called: EPS8L2-related condition.

Submissions (2):

Blueprint Genetics
Classification: Likely benign. Last evaluated: 2024-11-18. Review status: criteria provided, single submitter. Criteria: ACMG Guidelines, 2015. Collection method: clinical testing. Allele origin: germline.

PreventionGenetics, part of Exact Sciences
Classification: Likely benign for EPS8L2-related condition. Last evaluated: 2020-06-12. Review status: no assertion criteria provided. Collection method: clinical testing. Allele origin: germline. Not counted in ClinVar's aggregate classification.
Comment: This variant is classified as likely benign based on ACMG/AMP sequence variant interpretation guidelines (Richards et al. 2015 PMID: 25741868, with internal and published modifications).

NM_022772.4(EPS8L2):c.44+9T>A

Gene: EPS8L2 (EPS8 signaling adaptor L2; plus strand). Cytogenetic location: 11p15.5.
Variant type: single nucleotide variant.
Coding change: c.44+9T>A on transcript NM_022772.4 (MANE Select); 9 bases into the intron after coding-DNA position 44, T replaced by A.
Molecular consequence: intron variant.
Genome position (GRCh38, 1-based): chr11:709,460, T>A. VCF-style: chr11-709460-T-A. GRCh37 (hg19) VCF-style: chr11-709460-T-A.
Identifiers: ClinVar variation 3037027 (VCV003037027.3), dbSNP rs1590045630, ClinGen allele CA934275945.